The following is an entry in ClinVar:

NM_004943.2(DMWD):c.1677T>C (p.Ser559=)

Gene: DMWD (DM1 locus, WD repeat containing; minus strand). Cytogenetic location: 19q13.32.
Variant type: single nucleotide variant.
Coding change: c.1677T>C on transcript NM_004943.2 (MANE Select); coding-DNA position 1677, T replaced by C.
Protein change: p.Ser559=; no amino-acid change (serine 559 retained).
Molecular consequence: synonymous variant.
Genome position (GRCh38, 1-based): chr19:45,785,819, A>G on the plus strand (T>C on the coding strand, the complement: DMWD is on the minus strand). VCF-style: chr19-45785819-A-G. GRCh37 (hg19) VCF-style: chr19-46289077-A-G.
Identifiers: ClinVar variation 3056601 (VCV003056601.2), dbSNP rs61744161, ClinGen allele CA9521997.
Genomic context (GRCh38, chr19:45,785,819, plus strand): 5'-CAGCACCTTGGCGGGGTCCAGGCGGCTGCGGGGAACAGGGCCGCTGGGCTTCTCCCCACC[A>G]CTGCCACTGCCGCCACTGCCACCCCGGCTGATGTTGCCCAGGCTGTGGTAGCGCTTGTGC-3'
Protein context (NP_004934.1, residues 549-569): ISRGGSGGSG[Ser559=]GGEKPSGPVP

ClinVar aggregate classification (germline): Benign (0 of 4 stars; one submission).

Conditions:
DMWD-related disorder. Also called: DMWD-related condition.

Allele frequency attached by ClinVar (database versions not stated): gnomAD exomes 0.00273; ExAC 0.00753; ESP Exome Variant Server 0.02282; gnomAD 0.02727; TOPMed 0.03020; 1000 Genomes Project 0.03355; 1000 Genomes Project 30x 0.03638.
gnomAD v4.1: 8,330 of 1,611,122 alleles (0.52%); highest among the groups gnomAD compares: African/African-American, 9.5%; 361 homozygotes.

Submission:

PreventionGenetics, part of Exact Sciences
Classification: Benign for DMWD-related condition. Last evaluated: 2019-11-20. Review status: no assertion criteria provided. Collection method: clinical testing. Allele origin: germline.
Comment: This variant is classified as benign based on ACMG/AMP sequence variant interpretation guidelines (Richards et al. 2015 PMID: 25741868, with internal and published modifications).